The following is an entry in ClinVar:

ClinVar aggregate classification (germline): Likely pathogenic (1 of 4 stars; one submission).

Submission:

GeneDx
Classification: Likely pathogenic. Last evaluated: 2016-04-29. Review status: criteria provided, single submitter. Criteria: GeneDx Variant Classification (06012015). Collection method: clinical testing. Allele origin: germline. Affected: yes.
Comment: The L40X nonsense variant has not been published as a pathogenic variant, nor has it been reported as a benign variant to our knowledge. It was not observed in approximately 6,500 individuals of European and African American ancestry in the NHLBI Exome Sequencing Project, indicating it is not a common benign variant in these populations. The L40X nonsense variant is predicted to cause loss of normal protein function either through protein truncation or nonsense-mediated mRNA decay. Therefore, this variant is likely pathogenic; however, the possibility that it is benign cannot be excluded

NM_138638.5(CFL2):c.119T>A (p.Leu40Ter)

Gene: CFL2 (cofilin 2; minus strand). Cytogenetic location: 14q13.1.
Variant type: single nucleotide variant.
Coding change: c.119T>A on transcript NM_138638.5 (MANE Select); coding-DNA position 119, T replaced by A.
Protein change: p.Leu40Ter; replaces leucine 40 with a stop codon.
Molecular consequence: nonsense. On other transcripts: non-coding transcript variant (1).
Genome position (GRCh38, 1-based): chr14:34,713,446, A>T on the plus strand (T>A on the coding strand, the complement: CFL2 is on the minus strand). VCF-style: chr14-34713446-A-T. GRCh37 (hg19) VCF-style: chr14-35182652-A-T.
Other names: c.68T>A, p.Leu23Ter (NM_001243645.2); c.119T>A, p.Leu40Ter (NM_021914.8); short protein forms L40*, L23*.
Identifiers: ClinVar variation 432127 (VCV000432127.2), dbSNP rs1555333797, ClinGen allele CA389421935.
Genomic context (GRCh38, chr14:34,713,446, plus strand): 5'-ATGTCACCCACCAAGATCTGCTTTGCTTCCTCTACAATTATTTGTCTTTTGTCATCGCTT[A>T]AACAGAAGAGAACTGCTTTCTTTCTCTTTTTGATCTCCTCTTGTGTAGAAGATTTCCTTA-3'